The following is an entry in ClinVar:

NM_000843.4(GRM6):c.964G>T (p.Val322Leu)

Gene: GRM6 (glutamate metabotropic receptor 6; minus strand). Cytogenetic location: 5q35.3.
Variant type: single nucleotide variant.
Coding change: c.964G>T on transcript NM_000843.4 (MANE Select); coding-DNA position 964, G replaced by T.
Protein change: p.Val322Leu; replaces valine 322 with leucine.
Molecular consequence: missense variant.
Genome position (GRCh38, 1-based): chr5:178,990,640, C>A on the plus strand (G>T on the coding strand, the complement: GRM6 is on the minus strand). VCF-style: chr5-178990640-C-A. GRCh37 (hg19) VCF-style: chr5-178417641-C-A.
Other names: short protein forms V322L.
Identifiers: ClinVar variation 1047356 (VCV001047356.9), dbSNP rs749461820, ClinGen allele CA3594295.

ClinVar aggregate classification (germline): Uncertain significance. Review status: criteria provided, multiple submitters, no conflicts (2 of 4 stars). 2 submissions from 2 submitters: Uncertain significance (2). Last evaluated 2023-11-15.

Submissions (2):

Blueprint Genetics
Classification: Uncertain significance. Last evaluated: 2023-11-15. Review status: criteria provided, single submitter. Criteria: ACMG Guidelines, 2015. Collection method: clinical testing. Allele origin: germline.

Labcorp Genetics (formerly Invitae), Labcorp
Classification: Uncertain significance. Last evaluated: 2022-05-20. Review status: criteria provided, single submitter. Criteria: Invitae Variant Classification Sherloc (09022015). Collection method: clinical testing. Allele origin: germline.
Comment: Advanced modeling of protein sequence and biophysical properties (such as structural, functional, and spatial information, amino acid conservation, physicochemical variation, residue mobility, and thermodynamic stability) performed at Invitae indicates that this missense variant is not expected to disrupt GRM6 protein function. ClinVar contains an entry for this variant (Variation ID: 1047356). In summary, the available evidence is currently insufficient to determine the role of this variant in disease. Therefore, it has been classified as a Variant of Uncertain Significance. This sequence change replaces valine, which is neutral and non-polar, with leucine, which is neutral and non-polar, at codon 322 of the GRM6 protein (p.Val322Leu). This variant has not been reported in the literature in individuals affected with GRM6-related conditions. This variant is present in population databases (rs749461820, gnomAD 0.02%).